The following is an entry in ClinVar:

ClinVar aggregate classification (germline): Uncertain significance (1 of 4 stars; one submission).

Conditions:
Capillary malformation-arteriovenous malformation syndrome. Also called: Capillary malformation-arteriovenous malformation. Identifiers: Orphanet 137667, MedGen C1842180, MONDO:0012016.

Allele frequency attached by ClinVar (database versions not stated): gnomAD exomes below 0.00001.
gnomAD v4.1: 2 of 1,611,850 alleles (0.00012%); highest among the groups gnomAD compares: Non-Finnish European, 0.00017%; no homozygotes.

Submission:

Labcorp Genetics (formerly Invitae), Labcorp
Classification: Uncertain significance for Capillary malformation-arteriovenous malformation syndrome. Last evaluated: 2022-07-02. Review status: criteria provided, single submitter. Criteria: Invitae Variant Classification Sherloc (09022015). Collection method: clinical testing. Allele origin: germline.
Comment: This sequence change affects codon 370 of the RASA1 mRNA. It is a 'silent' change, meaning that it does not change the encoded amino acid sequence of the RASA1 protein. In summary, the available evidence is currently insufficient to determine the role of this variant in disease. Therefore, it has been classified as a Variant of Uncertain Significance. Algorithms developed to predict the effect of sequence changes on RNA splicing suggest that this variant may disrupt the consensus splice site. This variant has not been reported in the literature in individuals affected with RASA1-related conditions. This variant is not present in population databases (gnomAD no frequency).

NM_002890.3(RASA1):c.1110A>G (p.Gln370=)

Genes: CCNH (cyclin H; minus strand), RASA1 (RAS p21 protein activator 1; plus strand). Cytogenetic location: 5q14.3.
Variant type: single nucleotide variant.
Coding change: c.1110A>G on transcript NM_002890.3 (MANE Select); coding-DNA position 1110, A replaced by G.
Protein change: p.Gln370=; no amino-acid change (glutamine 370 retained).
Molecular consequence: synonymous variant. On other transcripts: intron variant (1).
Genome position (GRCh38, 1-based): chr5:87,349,221, A>G. VCF-style: chr5-87349221-A-G. GRCh37 (hg19) VCF-style: chr5-86645038-A-G.
Other names: c.579A>G, p.Gln193= (NM_022650.3); c.934-36426T>C (NM_001364075.2).
Identifiers: ClinVar variation 2013334 (VCV002013334.4), dbSNP rs2531255877, ClinGen allele CA445193196.